The following is an entry in ClinVar:

ClinVar aggregate classification (germline): Uncertain significance (1 of 4 stars; one submission).

Conditions:
Hereditary cancer-predisposing syndrome. Also called: Hereditary Cancer Syndrome; Tumor predisposition; Hereditary neoplastic syndrome; Neoplastic Syndromes, Hereditary. Identifiers: Orphanet 140162, MedGen C0027672, MeSH D009386, MONDO:0015356.

gnomAD v4.1: 1 of 1,613,428 alleles (0.000062%); highest among the groups gnomAD compares: Non-Finnish European, 0.000085%; no homozygotes.

Submission:

Ambry Genetics
Classification: Uncertain significance for Hereditary cancer-predisposing syndrome. Last evaluated: 2024-06-14. Review status: criteria provided, single submitter. Criteria: Ambry Variant Classification Scheme 2023. Collection method: clinical testing. Allele origin: germline.
Comment: The p.D384Y variant (also known as c.1150G>T), located in coding exon 5 of the BLM gene, results from a G to T substitution at nucleotide position 1150. The aspartic acid at codon 384 is replaced by tyrosine, an amino acid with highly dissimilar properties. This amino acid position is conserved. In addition, this alteration is predicted to be deleterious by in silico analysis. Based on the available evidence, the clinical significance of this variant remains unclear.

NM_000057.4(BLM):c.1150G>T (p.Asp384Tyr)

Gene: BLM (BLM RecQ like helicase; plus strand). Cytogenetic location: 15q26.1.
Variant type: single nucleotide variant.
Coding change: c.1150G>T on transcript NM_000057.4 (MANE Select); coding-DNA position 1150, G replaced by T.
Protein change: p.Asp384Tyr; replaces aspartic acid 384 with tyrosine.
Molecular consequence: missense variant.
Genome position (GRCh38, 1-based): chr15:90,760,209, G>T. VCF-style: chr15-90760209-G-T. GRCh37 (hg19) VCF-style: chr15-91303439-G-T.
Other names: c.1150G>T, p.Asp384Tyr (NM_001287246.2, NM_001287247.2); c.25G>T, p.Asp9Tyr (NM_001287248.2); short protein forms D384Y, D9Y.
Identifiers: ClinVar variation 3260998 (VCV003260998.1).